The following is an entry in ClinVar:

ClinVar aggregate classification (germline): Uncertain significance (1 of 4 stars; one submission).

Submission:

GeneDx
Classification: Uncertain significance. Last evaluated: 2025-09-08. Review status: criteria provided, single submitter. Criteria: GeneDx Variant Classification Process June 2021. Collection method: clinical testing. Allele origin: germline.
Comment: Not observed at significant frequency in large population cohorts (gnomAD); In silico analysis supports that this missense variant has a deleterious effect on protein structure/function; Has not been previously published as pathogenic or benign to our knowledge

NM_001037333.3(CYFIP2):c.305C>T (p.Pro102Leu)

Gene: CYFIP2 (cytoplasmic FMR1 interacting protein 2; plus strand). Cytogenetic location: 5q33.3.
Variant type: single nucleotide variant.
Coding change: c.305C>T on transcript NM_001037333.3 (MANE Select); coding-DNA position 305, C replaced by T.
Protein change: p.Pro102Leu; replaces proline 102 with leucine.
Molecular consequence: missense variant.
Genome position (GRCh38, 1-based): chr5:157,296,692, C>T. VCF-style: chr5-157296692-C-T. GRCh37 (hg19) VCF-style: chr5-156723700-C-T.
Other names: c.227C>T, p.Pro76Leu (NM_001291721.2); c.305C>T, p.Pro102Leu (NM_001291722.2, NM_014376.4); short protein forms P102L, P76L.
Identifiers: ClinVar variation 3572545 (VCV003572545.2).